The following is an entry in ClinVar:

ClinVar aggregate classification (germline): Pathogenic (1 of 4 stars; one submission).

Conditions:
Emery-Dreifuss muscular dystrophy 4, autosomal dominant (EDMD4). Also called: EMERY-DREIFUSS MUSCULAR DYSTROPHY 4 WITH VARIABLE FEATURES. Identifiers: Orphanet 261, MedGen C2751807, MONDO:0013071, OMIM 612998.
Autosomal recessive ataxia, Beauce type. Also called: Spinocerebellar ataxia, autosomal recessive 8; ATAXIA, RECESSIVE, OF BEAUCE; SYNE1-Related Autosomal Recessive Cerebellar Ataxia; SYNE1 Deficiency. Identifiers: Orphanet 88644, MedGen C1853116, MONDO:0012549, OMIM 610743.

Submission:

Labcorp Genetics (formerly Invitae), Labcorp
Classification: Pathogenic for Emery-Dreifuss muscular dystrophy 4, autosomal dominant; Autosomal recessive ataxia, Beauce type. Last evaluated: 2023-05-05. Review status: criteria provided, single submitter. Criteria: Invitae Variant Classification Sherloc (09022015). Collection method: clinical testing. Allele origin: germline.
Comment: This sequence change creates a premature translational stop signal (p.Gln2475*) in the SYNE1 gene. It is expected to result in an absent or disrupted protein product. Loss-of-function variants in SYNE1 are known to be pathogenic (PMID: 19542096, 24319099, 27086870). This variant is not present in population databases (gnomAD no frequency). This variant has not been reported in the literature in individuals affected with SYNE1-related conditions. For these reasons, this variant has been classified as Pathogenic.

Literature cited by the submitters: PubMed 19542096; PubMed 24319099; PubMed 27086870.

NM_182961.4(SYNE1):c.7402C>T (p.Gln2468Ter)

Gene: SYNE1 (spectrin repeat containing nuclear envelope protein 1; minus strand). Cytogenetic location: 6q25.2.
Variant type: single nucleotide variant.
Coding change: c.7402C>T on transcript NM_182961.4 (MANE Select); coding-DNA position 7402, C replaced by T.
Protein change: p.Gln2468Ter; replaces glutamine 2468 with a stop codon.
Molecular consequence: nonsense.
Genome position (GRCh38, 1-based): chr6:152,396,929, G>A on the plus strand (C>T on the coding strand, the complement: SYNE1 is on the minus strand). VCF-style: chr6-152396929-G-A. GRCh37 (hg19) VCF-style: chr6-152718064-G-A.
Other names: c.7423C>T, p.Gln2475Ter (NM_033071.5); short protein forms Q2475*, Q2468*.
Identifiers: ClinVar variation 2947494 (VCV002947494.3), dbSNP rs1384323646, ClinGen allele CA366113869.